The following is an entry in ClinVar:

ClinVar aggregate classification (germline): Uncertain significance. Review status: criteria provided, multiple submitters, no conflicts (2 of 4 stars). 2 submissions from 2 submitters: Uncertain significance (2). Last evaluated 2025-11-10.

Conditions:
Inborn genetic diseases. Identifiers: MedGen C0950123, MeSH D030342.
Acrocallosal syndrome (ACLS). Also called: HALLUX DUPLICATION, POSTAXIAL POLYDACTYLY, AND ABSENCE OF CORPUS CALLOSUM; Schinzel syndrome 1; Absence of corpus callosum with unusual facial appearance, mental deficiency, duplication of the halluces and polydactyly. Identifiers: Orphanet 36, MedGen C0796147, MONDO:0008708, OMIM 200990.

Allele frequency attached by ClinVar (database versions not stated): gnomAD 0.00002 and 0.00003; gnomAD exomes 0.00002; TOPMed 0.00002; ExAC 0.00003; ESP Exome Variant Server 0.00008.
gnomAD v4.1: 23 of 1,611,696 alleles (0.0014%); highest among the groups gnomAD compares: East Asian, 0.0022%; no homozygotes.

Submissions (2):

Labcorp Genetics (formerly Invitae), Labcorp
Classification: Uncertain significance for Acrocallosal syndrome. Last evaluated: 2025-11-10. Review status: criteria provided, single submitter. Criteria: Invitae Variant Classification Sherloc (09022015). Collection method: clinical testing. Allele origin: germline.
Comment: This sequence change replaces arginine, which is basic and polar, with glutamine, which is neutral and polar, at codon 832 of the KIF7 protein (p.Arg832Gln). This variant is present in population databases (rs371841682, gnomAD 0.007%). This variant has not been reported in the literature in individuals affected with KIF7-related conditions. ClinVar contains an entry for this variant (Variation ID: 1516824). Invitae Evidence Modeling of protein sequence and biophysical properties (such as structural, functional, and spatial information, amino acid conservation, physicochemical variation, residue mobility, and thermodynamic stability) indicates that this missense variant is not expected to disrupt KIF7 protein function with a negative predictive value of 80%. In summary, the available evidence is currently insufficient to determine the role of this variant in disease. Therefore, it has been classified as a Variant of Uncertain Significance.

Ambry Genetics
Classification: Uncertain significance for Inborn genetic diseases. Last evaluated: 2024-08-14. Review status: criteria provided, single submitter. Criteria: Ambry Variant Classification Scheme 2023. Collection method: clinical testing. Allele origin: germline.

NM_198525.3(KIF7):c.2495G>A (p.Arg832Gln)

Gene: KIF7 (kinesin family member 7; minus strand). Cytogenetic location: 15q26.1.
Variant type: single nucleotide variant.
Coding change: c.2495G>A on transcript NM_198525.3 (MANE Select); coding-DNA position 2495, G replaced by A.
Protein change: p.Arg832Gln; replaces arginine 832 with glutamine.
Molecular consequence: missense variant.
Genome position (GRCh38, 1-based): chr15:89,633,783, C>T on the plus strand (G>A on the coding strand, the complement: KIF7 is on the minus strand). VCF-style: chr15-89633783-C-T. GRCh37 (hg19) VCF-style: chr15-90177014-C-T.
Other names: c.2495G>A (NM_198525.2); short protein forms R832Q.
Identifiers: ClinVar variation 1516824 (VCV001516824.9), dbSNP rs371841682, ClinGen allele CA7728127.